The following is an entry in ClinVar:

ClinVar aggregate classification (germline): Pathogenic (1 of 4 stars; one submission).

Conditions:
Glycogen storage disease, type V (GSD5). Also called: MCARDLE DISEASE; MUSCLE GLYCOGEN PHOSPHORYLASE DEFICIENCY; MYOPHOSPHORYLASE DEFICIENCY; PYGM DEFICIENCY; McArdle type glycogen storage disease. Identifiers: Orphanet 368, MedGen C0017924, MONDO:0009293, OMIM 232600.

Submission:

Natera, Inc.
Classification: Pathogenic for Glycogen storage disease V. Last evaluated: 2025-12-17. Review status: criteria provided, single submitter. Criteria: Natera Variant Classification Schema (03/2026). Collection method: clinical testing. Allele origin: germline.
Comment: The c.341del variant in PYGM is a frameshift variant predicted to shift the reading frame beginning at codon 114 and leads to a stop codon 181 codons downstream. This variant is expected to result in nonsense mediated decay, truncation, or a dysfunctional protein product. This variant is rare in the general population with a frequency below the threshold expected for the associated phenotype(s). This variant has been observed in one or more individuals affected with the associated recessive disease, as either homozygous or compound heterozygous with a second variant (PMID: 21880526). Given the available evidence, this variant is classified as Pathogenic.

Literature cited by the submitters: PubMed 21880526.

NM_005609.4(PYGM):c.341del (p.Tyr114fs)

Gene: PYGM (glycogen phosphorylase, muscle associated; minus strand). Cytogenetic location: 11q13.1.
Variant type: Deletion.
Coding change: c.341del on transcript NM_005609.4 (MANE Select); coding-DNA position 341, one base deleted (A; older notation c.341delA).
Protein change: p.Tyr114fs; shifts the reading frame from tyrosine 114.
Molecular consequence: frameshift variant. On other transcripts: intron variant (1).
Genome position (GRCh38, 1-based): chr11:64,758,607, T deleted on the plus strand (A on the coding strand, the reverse complement: PYGM is on the minus strand). VCF-style (leftmost placement, unchanged base first): chr11-64758606-GT-G. GRCh37 (hg19) VCF-style: chr11-64526078-GT-G.
Other names: c.244-341del (NM_001164716.1); short protein forms Y114fs.
Identifiers: ClinVar variation 4815435 (VCV004815435.1).
Genomic context (GRCh38, chr11:64,758,606, plus strand): 5'-TCAAGTGTCAGCAGTGGAATCCCCCAGTCCCCACGGCTTGCCCCACCCCACACACACCTG[GT>G]AGGTGGCCTCGTCACAGGCATTCTCTAAGGCCAGGTTCACCATGGTGTTCTGTAGCGTCC-3'